The following is an entry in ClinVar:

ClinVar aggregate classification (germline): Benign/Likely benign. Review status: criteria provided, multiple submitters, no conflicts (2 of 4 stars). 10 submissions from 10 submitters: Benign (5); Likely benign (3). 2 of the submissions do not count toward it. Last evaluated 2026-01-15.

Conditions:
Spinocerebellar ataxia type 13 (SCA13). Also called: Spinocerebellar Ataxia Type13. Identifiers: Orphanet 98768, MedGen C1854488, MONDO:0011529, OMIM 605259.

Allele frequency attached by ClinVar (database versions not stated): gnomAD exomes 0.00107; ExAC 0.00122; 1000 Genomes Project 0.00379; gnomAD 0.00413 and 0.00461; TOPMed 0.00436; 1000 Genomes Project 30x 0.00468; ESP Exome Variant Server 0.00507.
gnomAD v4.1: 1,236 of 1,613,462 alleles (0.077%); highest among the groups gnomAD compares: African/African-American, 1.5%; 19 homozygotes.

Submissions (10):

Labcorp Genetics (formerly Invitae), Labcorp
Classification: Benign. Last evaluated: 2026-01-15. Review status: criteria provided, single submitter. Criteria: Invitae Variant Classification Sherloc (09022015). Collection method: clinical testing. Allele origin: germline.

CeGaT Center for Human Genetics Tuebingen
Classification: Benign. Last evaluated: 2025-11-01. Review status: criteria provided, single submitter. Criteria: CeGaT Center For Human Genetics Tuebingen Variant Classification Criteria Version 2. Collection method: clinical testing. Allele origin: germline. Affected: yes. Observed: 2 variant alleles.
Comment: KCNC3: BP4, BP7, BS1, BS2

Blueprint Genetics
Classification: Likely benign. Last evaluated: 2024-11-13. Review status: criteria provided, single submitter. Criteria: ACMG Guidelines, 2015. Collection method: clinical testing. Allele origin: germline.

Mayo Clinic Laboratories, Mayo Clinic
Classification: Benign. Last evaluated: 2024-04-03. Review status: criteria provided, single submitter. Criteria: ACMG Guidelines, 2015. Collection method: clinical testing. Allele origin: germline. Observed: 2 variant alleles.
Comment: BS1, BS2, BP4, BP7

GeneDx
Classification: Likely benign. Last evaluated: 2022-02-19. Review status: criteria provided, single submitter. Criteria: GeneDx Variant Classification Process June 2021. Collection method: clinical testing. Allele origin: germline. Affected: yes.
Comment: See Variant Classification Assertion Criteria.

Fulgent Genetics
Classification: Likely benign for Spinocerebellar ataxia type 13. Last evaluated: 2021-08-06. Review status: criteria provided, single submitter. Criteria: ACMG Guidelines, 2015. Collection method: clinical testing. Allele origin: unknown.

Athena Diagnostics
Classification: Benign. Last evaluated: 2018-08-10. Review status: criteria provided, single submitter. Criteria: Athena Diagnostics Criteria. Collection method: clinical testing. Allele origin: germline.

Breakthrough Genomics
Classification: Benign. Review status: criteria provided, single submitter. Criteria: ACMG Guidelines, 2015. Collection method: not provided. Allele origin: germline. Inheritance: Autosomal dominant inheritance. Affected: yes.

Clinical Genetics DNA and cytogenetics Diagnostics Lab, Erasmus MC, Erasmus Medical Center
Classification: Benign. Review status: no assertion criteria provided. Collection method: clinical testing. Allele origin: germline. Affected: yes. Study: VKGL Data-share Consensus. Not counted in ClinVar's aggregate classification.

Genome Diagnostics Laboratory, University Medical Center Utrecht
Classification: Likely benign. Review status: no assertion criteria provided. Collection method: clinical testing. Allele origin: germline. Affected: yes. Study: VKGL Data-share Consensus. Not counted in ClinVar's aggregate classification.

NM_004977.3(KCNC3):c.984G>A (p.Pro328=)

Gene: KCNC3 (potassium voltage-gated channel subfamily C member 3; minus strand). Cytogenetic location: 19q13.33.
Variant type: single nucleotide variant.
Coding change: c.984G>A on transcript NM_004977.3 (MANE Select); coding-DNA position 984, G replaced by A.
Protein change: p.Pro328=; no amino-acid change (proline 328 retained).
Molecular consequence: synonymous variant.
Genome position (GRCh38, 1-based): chr19:50,323,969, C>T on the plus strand (G>A on the coding strand, the complement: KCNC3 is on the minus strand). VCF-style: chr19-50323969-C-T. GRCh37 (hg19) VCF-style: chr19-50827226-C-T.
Other names: p.Pro328=; c.756G>A, p.Pro252= (NM_001372305.1).
Identifiers: ClinVar variation 586085 (VCV000586085.26), dbSNP rs114192110, ClinGen allele CA9594312.